The following is an entry in ClinVar:

NM_018136.5(ASPM):c.223G>A (p.Ala75Thr)

Genes: ASPM (assembly factor for spindle microtubules; minus strand), LOC129932155 (ATAC-STARR-seq lymphoblastoid silent region 1659; plus strand). Cytogenetic location: 1q31.3.
Variant type: single nucleotide variant.
Coding change: c.223G>A on transcript NM_018136.5 (MANE Select); coding-DNA position 223, G replaced by A.
Protein change: p.Ala75Thr; replaces alanine 75 with threonine.
Molecular consequence: missense variant.
Genome position (GRCh38, 1-based): chr1:197,146,215, C>T on the plus strand (G>A on the coding strand, the complement: ASPM is on the minus strand). VCF-style: chr1-197146215-C-T. GRCh37 (hg19) VCF-style: chr1-197115345-C-T.
Other names: c.223G>A, p.Ala75Thr (NM_001206846.2); short protein forms A75T.
Identifiers: ClinVar variation 157793 (VCV000157793.30), dbSNP rs61995747, ClinGen allele CA171185.

ClinVar aggregate classification (germline): Benign/Likely benign. Review status: criteria provided, multiple submitters, no conflicts (2 of 4 stars). 12 submissions from 12 submitters: Benign (6); Likely benign (3). 3 of the submissions do not count toward it. Last evaluated 2026-01-18.

Conditions:
ASPM-related disorder. Also called: ASPM-related condition.
Microcephaly 5, primary, autosomal recessive (MCPH5). Also called: ASPM Primary Microcephaly. Identifiers: Orphanet 2512, MedGen C1837501, MONDO:0012106, OMIM 608716.

Allele frequency attached by ClinVar (database versions not stated): gnomAD exomes 0.00075 and 0.00236; ExAC 0.00292; gnomAD 0.00837 and 0.00892; TOPMed 0.00926; ESP Exome Variant Server 0.01007; 1000 Genomes Project 0.01018; 1000 Genomes Project 30x 0.01171.
gnomAD v4.1: 2,398 of 1,614,126 alleles (0.15%); highest among the groups gnomAD compares: African/African-American, 2.8%; 29 homozygotes.

Submissions (13):

Labcorp Genetics (formerly Invitae), Labcorp
Classification: Benign. Last evaluated: 2026-01-18. Review status: criteria provided, single submitter. Criteria: Invitae Variant Classification Sherloc (09022015). Collection method: clinical testing. Allele origin: germline.

Genome-Nilou Lab
Classification: Likely benign for Microcephaly 5, primary, autosomal recessive. Last evaluated: 2023-04-11. Review status: criteria provided, single submitter. Criteria: ACMG Guidelines, 2015. Collection method: clinical testing. Allele origin: germline. Affected: no.

Athena Diagnostics
Classification: Benign. Last evaluated: 2018-01-25. Review status: criteria provided, single submitter. Criteria: Athena Diagnostics Criteria. Collection method: clinical testing. Allele origin: germline.

Illumina Laboratory Services, Illumina
Classification: Benign for Microcephaly 5, primary, autosomal recessive. Last evaluated: 2018-01-13. Review status: criteria provided, single submitter. Criteria: ICSL Variant Classification Criteria 13 December 2019. Collection method: clinical testing. Allele origin: germline.
Comment: This variant was observed in the ICSL laboratory as part of a predisposition screen in an ostensibly healthy population. It had not been previously curated by ICSL or reported in the Human Gene Mutation Database (HGMD: prior to June 1st, 2018), and was therefore a candidate for classification through an automated scoring system. Utilizing variant allele frequency, disease prevalence and penetrance estimates, and inheritance mode, an automated score was calculated to assess if this variant is too frequent to cause the disease. Based on the score and internal cut-off values, a variant classified as benign is not then subjected to further curation. The score for this variant resulted in a classification of benign for this disease.

Center for Pediatric Genomic Medicine, Children's Mercy Hospital and Clinics
Classification: Likely benign. Last evaluated: 2017-04-27. Review status: criteria provided, single submitter. Criteria: ACMG Guidelines, 2015. Collection method: clinical testing. Allele origin: germline.

GeneDx
Classification: Benign. Last evaluated: 2016-02-09. Review status: criteria provided, single submitter. Criteria: GeneDx Variant Classification (06012015). Collection method: clinical testing. Allele origin: germline. Affected: yes.
Comment: This variant is considered likely benign or benign based on one or more of the following criteria: it is a conservative change, it occurs at a poorly conserved position in the protein, it is predicted to be benign by multiple in silico algorithms, and/or has population frequency not consistent with disease.

Eurofins Ntd Llc (ga)
Classification: Benign. Last evaluated: 2014-12-18. Review status: criteria provided, single submitter. Criteria: EGL Classification Definitions 2015. Collection method: clinical testing. Allele origin: germline. Observed: 2 variant alleles, 2 heterozygotes.

Genetic Services Laboratory, University of Chicago
Classification: Benign. Last evaluated: 2013-07-30. Review status: criteria provided, single submitter. Criteria: ACMG Guidelines, 2007. Collection method: clinical testing. Allele origin: germline. Inheritance: Autosomal recessive inheritance.

Breakthrough Genomics
Classification: Likely benign. Review status: criteria provided, single submitter. Criteria: ACMG Guidelines, 2015. Collection method: not provided. Allele origin: germline. Inheritance: Autosomal recessive inheritance. Affected: yes.

PreventionGenetics, part of Exact Sciences
Classification: Benign for ASPM-related condition. Last evaluated: 2019-05-09. Review status: no assertion criteria provided. Collection method: clinical testing. Allele origin: germline. Not counted in ClinVar's aggregate classification.
Comment: This variant is classified as benign based on ACMG/AMP sequence variant interpretation guidelines (Richards et al. 2015 PMID: 25741868, with internal and published modifications).

Clinical Genetics DNA and cytogenetics Diagnostics Lab, Erasmus MC, Erasmus Medical Center
Classification: Uncertain significance. Review status: no assertion criteria provided. Collection method: clinical testing. Allele origin: germline. Affected: yes. Study: VKGL Data-share Consensus. Not counted in ClinVar's aggregate classification.

Dr. Peter K. Rogan Lab, Western University
No classification provided (evidence only). Condition: Uterine carcinosarcoma. Review status: no classification provided. Collection method: in vitro. Allele origin: not applicable. Functional consequence: retained intron. Not counted in ClinVar's aggregate classification.

Laboratory of Diagnostic Genome Analysis, Leiden University Medical Center (LUMC)
Classification: Uncertain significance. Review status: no assertion criteria provided. Collection method: clinical testing. Allele origin: germline. Affected: yes. Study: VKGL Data-share Consensus. Not counted in ClinVar's aggregate classification.